The following is an entry in ClinVar:

ClinVar aggregate classification (germline): Conflicting classifications of pathogenicity. Review status: criteria provided, conflicting classifications (1 of 4 stars). 5 submissions from 5 submitters: Uncertain significance (4); Benign (1). Last evaluated 2025-08-05.

Conditions:
Tuberous sclerosis syndrome (TSC). Also called: Tuberous Sclerosis Complex; Tuberous sclerosis. Identifiers: Orphanet 805, MedGen C0041341, MONDO:0001734.
Isolated focal cortical dysplasia type II (FCORD2). Also called: Focal cortical dysplasia type II; CORTICAL DYSPLASIA OF TAYLOR. Identifiers: Orphanet 268994, MedGen C1846385, MONDO:0011818, OMIM 607341, HP:0032051.
Lymphangiomyomatosis (LAM). Also called: Lymphangioleiomyomatosis; Lymphangioleiomyomatosis, somatic. Identifiers: Orphanet 538, MedGen C0751674, MONDO:0011705, OMIM 606690.
Tuberous sclerosis 2 (TSC2). Identifiers: Orphanet 805, MedGen C1860707, MONDO:0013199, OMIM 613254.
Hereditary cancer-predisposing syndrome. Also called: Neoplastic Syndromes, Hereditary; Hereditary Cancer Syndrome; Tumor predisposition; Hereditary neoplastic syndrome. Identifiers: Orphanet 140162, MedGen C0027672, MeSH D009386, MONDO:0015356.

Allele frequency attached by ClinVar (database versions not stated): gnomAD exomes below 0.00001; ExAC 0.00001.
gnomAD v4.1: 6 of 1,609,356 alleles (0.00037%); highest among the groups gnomAD compares: African/African-American, 0.0013%; no homozygotes.

Submissions (5):

Color Diagnostics, LLC DBA Color Health
Classification: Uncertain significance for Tuberous sclerosis syndrome. Last evaluated: 2025-08-05. Review status: criteria provided, single submitter. Criteria: ACMG Guidelines, 2015. Collection method: clinical testing. Allele origin: germline.
Comment: This missense variant replaces proline with leucine at codon 1315 of the TSC2 protein. Computational prediction suggests that this variant may not impact protein structure and function. To our knowledge, functional studies have not been reported for this variant. This variant has not been reported in individuals affected with TSC2-related disorders in the literature. This variant has been identified in 1/241850 chromosomes in the general population by the Genome Aggregation Database (gnomAD). The available evidence is insufficient to determine the role of this variant in disease conclusively. Therefore, this variant is classified as a Variant of Uncertain Significance.

Labcorp Genetics (formerly Invitae), Labcorp
Classification: Benign for Tuberous sclerosis 2. Last evaluated: 2025-06-25. Review status: criteria provided, single submitter. Criteria: Invitae Variant Classification Sherloc (09022015). Collection method: clinical testing. Allele origin: germline.

Ambry Genetics
Classification: Uncertain significance for Hereditary cancer-predisposing syndrome. Last evaluated: 2024-08-29. Review status: criteria provided, single submitter. Criteria: Ambry Variant Classification Scheme 2023. Collection method: clinical testing. Allele origin: germline.
Comment: The p.P1315L variant (also known as c.3944C>T), located in coding exon 32 of the TSC2 gene, results from a C to T substitution at nucleotide position 3944. The proline at codon 1315 is replaced by leucine, an amino acid with similar properties. This amino acid position is not well conserved in available vertebrate species. In addition, the in silico prediction for this alteration is inconclusive. Based on the available evidence, the clinical significance of this variant remains unclear.

Fulgent Genetics
Classification: Uncertain significance for Lymphangiomyomatosis; Isolated focal cortical dysplasia type II; Tuberous sclerosis 2. Last evaluated: 2024-06-04. Review status: criteria provided, single submitter. Criteria: ACMG Guidelines, 2015. Collection method: clinical testing. Allele origin: germline.

Baylor Genetics
Classification: Uncertain significance for Isolated focal cortical dysplasia type II. Last evaluated: 2023-06-07. Review status: criteria provided, single submitter. Criteria: ACMG Guidelines, 2015. Collection method: clinical testing. Allele origin: unknown.

NM_000548.5(TSC2):c.3944C>T (p.Pro1315Leu)

Gene: TSC2 (TSC complex subunit 2; plus strand). Cytogenetic location: 16p13.3.
Variant type: single nucleotide variant.
Coding change: c.3944C>T on transcript NM_000548.5 (MANE Select); coding-DNA position 3944, C replaced by T.
Protein change: p.Pro1315Leu; replaces proline 1315 with leucine.
Molecular consequence: missense variant.
Genome position (GRCh38, 1-based): chr16:2,083,755, C>T. VCF-style: chr16-2083755-C-T. GRCh37 (hg19) VCF-style: chr16-2133756-C-T.
Other names: c.3743C>T, p.Pro1248Leu (NM_001077183.3); c.3875C>T, p.Pro1292Leu (NM_001114382.3); c.3635C>T, p.Pro1212Leu (NM_001318827.2); c.3599C>T, p.Pro1200Leu (NM_001318829.2); c.3212C>T, p.Pro1071Leu (NM_001318831.2); c.3776C>T, p.Pro1259Leu (NM_001318832.2); c.3746C>T, p.Pro1249Leu (NM_001363528.2); c.3812C>T, p.Pro1271Leu (NM_001370404.1); and 1 more; short protein forms P1315L, P1292L, P1212L, P1248L, P1271L, P1272L, P1071L, P1200L.
Identifiers: ClinVar variation 583261 (VCV000583261.14), dbSNP rs775990159, ClinGen allele CA049710.